The following is an entry in ClinVar:

ClinVar aggregate classification (germline): Uncertain significance (1 of 4 stars; one submission).

Submission:

GeneDx
Classification: Uncertain significance. Last evaluated: 2022-02-16. Review status: criteria provided, single submitter. Criteria: GeneDx Variant Classification Process June 2021. Collection method: clinical testing. Allele origin: germline. Affected: yes.
Comment: Not observed at significant frequency in large population cohorts (gnomAD); In silico analysis supports that this missense variant has a deleterious effect on protein structure/function; Has not been previously published as pathogenic or benign to our knowledge

NM_018263.6(ASXL2):c.3353C>G (p.Pro1118Arg)

Gene: ASXL2 (ASXL transcriptional regulator 2; minus strand). Cytogenetic location: 2p23.3.
Variant type: single nucleotide variant.
Coding change: c.3353C>G on transcript NM_018263.6 (MANE Select); coding-DNA position 3353, C replaced by G.
Protein change: p.Pro1118Arg; replaces proline 1118 with arginine.
Molecular consequence: missense variant.
Genome position (GRCh38, 1-based): chr2:25,742,984, G>C on the plus strand (C>G on the coding strand, the complement: ASXL2 is on the minus strand). VCF-style: chr2-25742984-G-C. GRCh37 (hg19) VCF-style: chr2-25965853-G-C.
Other names: c.3179C>G, p.Pro1060Arg (NM_001369346.1); c.2573C>G, p.Pro858Arg (NM_001369347.1); short protein forms P1060R, P1118R, P858R.
Identifiers: ClinVar variation 1703917 (VCV001703917.2), dbSNP rs2087860204, ClinGen allele CA346078706.
Genomic context (GRCh38, chr2:25,742,984, plus strand): 5'-AAGCTCTCTGAGCCCCGGCCGTAGGTAGAAATATTCAGTAAGTAGTGCCCTGCCATTGCA[G>C]GTTTGGATGTCCTTCTGCCAGCAAAACCCAGCATGAACCTCTGGCTTGTGGAGATGTCTT-3'
Protein context (NP_060733.4, residues 1108-1128): LGFAGRRTSK[Pro1118Arg]AMAGHYLLNI